The following is an entry in ClinVar:

ClinVar aggregate classification (germline): Likely benign (3 of 4 stars; one submission).

Conditions:
Open-angle glaucoma. Identifiers: MedGen C0017612, MONDO:0005338, HP:0012108.

Allele frequency attached by ClinVar (database versions not stated): gnomAD exomes below 0.00001.
gnomAD v4.1: 2 of 1,614,230 alleles (0.00012%); highest among the groups gnomAD compares: Non-Finnish European, 0.00017%; no homozygotes.

Submission:

ClinGen Glaucoma Variant Curation Expert Panel
Classification: Likely benign for Open-angle glaucoma. Last evaluated: 2026-01-20. Review status: reviewed by expert panel. Criteria: ClinGen Glaucoma ACMG Specifications V2.0.0 Approved. Collection method: curation. Allele origin: germline. Inheritance: Autosomal dominant inheritance.
Comment: The c.169A>G variant in MYOC is a missense variant predicted to cause substitution of Asparagine by Aspartic Acid at amino acid 57 (p.Asn57Asp). The highest minor allele frequency of this variant was in the European (non-Finnish) genetic ancestry group of gnomAD (v4.1.0) = 0.000001695 (2 alleles out of 1,180,040), which met the ≤ 0.0001 threshold set for PM2_Supporting in a genetic ancestry group of at least 10,000 alleles. The REVEL score = 0.091, which was within the 0.017-0.183 range for BP4_Moderate, suggesting that the variant does not impact MYOC function. The Asn57Asp protein had similar secretion levels to wild type myocilin protein in this study (PMID: 36267417). The assay met the OddsPath threshold for BS3_Moderate (< 0.23), indicating that this variant did not impact protein function. Only 1 proband with juvenile open angle glaucoma had been reported (PMID: 11004290), not meeting the ≥ 2 probands threshold required to meet PS4_Supporting. In summary, this variant met the criteria to receive a score of -3 and to be classified as likely benign (likely benign classification range -2 to -6, adapted from PMID: 32720330) for juvenile open angle glaucoma based on the ACMG/AMP criteria met, as specified by the ClinGen Glaucoma VCEP (v2.0.0, 5 Dec 2024): BS3_Moderate, BP4_Moderate, PM2_Supporting

Literature cited by the submitters: PubMed 36267417.

NM_000261.2(MYOC):c.169A>G (p.Asn57Asp)

Gene: MYOC (myocilin; minus strand). Cytogenetic location: 1q24.3.
Variant type: single nucleotide variant.
Coding change: c.169A>G on transcript NM_000261.2 (MANE Select); coding-DNA position 169, A replaced by G.
Protein change: p.Asn57Asp; replaces asparagine 57 with aspartic acid.
Molecular consequence: missense variant.
Genome position (GRCh38, 1-based): chr1:171,652,443, T>C on the plus strand (A>G on the coding strand, the complement: MYOC is on the minus strand). VCF-style: chr1-171652443-T-C. GRCh37 (hg19) VCF-style: chr1-171621583-T-C.
Other names: NM_000261.2:c.169A>G; short protein forms N57D.
Identifiers: ClinVar variation 2500830 (VCV002500830.2), dbSNP rs2527874081, ClinGen allele CA343719449.